The following is an entry in ClinVar:

NM_006940.6(SOX5):c.5T>G (p.Leu2Arg)

Gene: SOX5 (SRY-box transcription factor 5; minus strand). Cytogenetic location: 12p12.1.
Variant type: single nucleotide variant.
Coding change: c.5T>G on transcript NM_006940.6 (MANE Select); coding-DNA position 5, T replaced by G.
Protein change: p.Leu2Arg; replaces leucine 2 with arginine.
Molecular consequence: missense variant. On other transcripts: intron variant (3).
Genome position (GRCh38, 1-based): chr12:23,949,597, A>C on the plus strand (T>G on the coding strand, the complement: SOX5 is on the minus strand). VCF-style: chr12-23949597-A-C. GRCh37 (hg19) VCF-style: chr12-24102531-A-C.
Other names: c.5T>G, p.Leu2Arg (NM_001330785.2); c.-1-53573T>G (NM_152989.5, NM_001261414.3); c.8+1272T>G (NM_001261415.3); c.5T>G (NM_006940.4); short protein forms L2R.
Identifiers: ClinVar variation 2431715 (VCV002431715.2), dbSNP rs1680866545, ClinGen allele CA384321296.

ClinVar aggregate classification (germline): Uncertain significance. Review status: criteria provided, multiple submitters, no conflicts (2 of 4 stars). 2 submissions from 2 submitters: Uncertain significance (2). Last evaluated 2022-12-15.

Conditions:
Lamb-Shaffer syndrome. Identifiers: Orphanet 313884, Orphanet 313892, Orphanet 530983, MedGen C4225202, MONDO:0014778, OMIM 616803.

Allele frequency attached by ClinVar (database versions not stated): TOPMed 0.00001.
gnomAD v4.1: 4 of 1,613,818 alleles (0.00025%); highest among the groups gnomAD compares: Non-Finnish European, 0.00025%; no homozygotes.

Submissions (2):

Laboratorio de Genetica e Diagnostico Molecular, Hospital Israelita Albert Einstein
Classification: Uncertain significance for Lamb-Shaffer syndrome. Last evaluated: 2022-12-15. Review status: criteria provided, single submitter. Criteria: ACMG Guidelines, 2015. Collection method: clinical testing. Allele origin: germline. Affected: yes. Observed: 1 variant allele.
Comment: ACMG classification criteria: PM2 moderated

GeneDx
Classification: Uncertain significance. Last evaluated: 2022-09-23. Review status: criteria provided, single submitter. Criteria: GeneDx Variant Classification Process June 2021. Collection method: clinical testing. Allele origin: germline. Affected: yes.
Comment: Not observed at significant frequency in large population cohorts (gnomAD); In silico analysis supports that this missense variant does not alter protein structure/function; Has not been previously published as pathogenic or benign to our knowledge